The following is an entry in ClinVar:

NM_005245.4(FAT1):c.9492G>C (p.Leu3164=)

Gene: FAT1 (FAT atypical cadherin 1; minus strand). Cytogenetic location: 4q35.2.
Variant type: single nucleotide variant.
Coding change: c.9492G>C on transcript NM_005245.4 (MANE Select); coding-DNA position 9492, G replaced by C.
Protein change: p.Leu3164=; no amino-acid change (leucine 3164 retained).
Molecular consequence: synonymous variant.
Genome position (GRCh38, 1-based): chr4:186,611,747, C>G on the plus strand (G>C on the coding strand, the complement: FAT1 is on the minus strand). VCF-style: chr4-186611747-C-G. GRCh37 (hg19) VCF-style: chr4-187532901-C-G.
Identifiers: ClinVar variation 3052316 (VCV003052316.2), dbSNP rs1739457759, ClinGen allele CA442889894.
Genomic context (GRCh38, chr4:186,611,747, plus strand): 5'-TTCTAACTGAATAATTCCAGATAATTCGTTAATGGAGAACTGCCCATCAGCAGAGTCAAT[C>G]AGTGAGTATAAAATCTTCCGATTTAATCCTATGAAGACATAAAAACATGTCAAAAGATTT-3'
Protein context (NP_005236.2, residues 3154-3174): AGLNRKILYS[Leu3164=]IDSADGQFSI

ClinVar aggregate classification (germline): Likely benign (0 of 4 stars; one submission).

Conditions:
FAT1-related disorder. Also called: FAT1-related condition.

Allele frequency attached by ClinVar (database versions not stated): gnomAD 0.00001; TOPMed 0.00001.
gnomAD v4.1: 1 of 1,580,786 alleles (0.000063%); highest among the groups gnomAD compares: Non-Finnish European, 0.000086%; no homozygotes.

Submission:

PreventionGenetics, part of Exact Sciences
Classification: Likely benign for FAT1-related condition. Last evaluated: 2022-03-14. Review status: no assertion criteria provided. Collection method: clinical testing. Allele origin: germline.
Comment: This variant is classified as likely benign based on ACMG/AMP sequence variant interpretation guidelines (Richards et al. 2015 PMID: 25741868, with internal and published modifications).